The following is an entry in ClinVar:

ClinVar aggregate classification (germline): Likely benign (1 of 4 stars; one submission).

Allele frequency attached by ClinVar (database versions not stated): gnomAD 0.00001; gnomAD exomes 0.00001; TOPMed 0.00002.
gnomAD v4.1: 16 of 1,446,316 alleles (0.0011%); highest among the groups gnomAD compares: Admixed American, 0.0029%; no homozygotes.

Submission:

CeGaT Center for Human Genetics Tuebingen
Classification: Likely benign. Last evaluated: 2022-04-01. Review status: criteria provided, single submitter. Criteria: CeGaT Center For Human Genetics Tuebingen Variant Classification Criteria Version 2. Collection method: clinical testing. Allele origin: germline. Affected: yes. Observed: 1 variant allele.
Comment: SPTBN4: BP4, BP7

NM_020971.3(SPTBN4):c.2034A>G (p.Ala678=)

Gene: SPTBN4 (spectrin beta, non-erythrocytic 4; plus strand). Cytogenetic location: 19q13.2.
Variant type: single nucleotide variant.
Coding change: c.2034A>G on transcript NM_020971.3 (MANE Select); coding-DNA position 2034, A replaced by G.
Protein change: p.Ala678=; no amino-acid change (alanine 678 retained).
Molecular consequence: synonymous variant.
Genome position (GRCh38, 1-based): chr19:40,512,823, A>G. VCF-style: chr19-40512823-A-G. GRCh37 (hg19) VCF-style: chr19-41018730-A-G.
Identifiers: ClinVar variation 2649887 (VCV002649887.22), dbSNP rs1411115333, ClinGen allele CA507682099.